The following is an entry in ClinVar:

NM_007254.4(PNKP):c.744+3A>G

Gene: PNKP (polynucleotide kinase 3'-phosphatase; minus strand). Cytogenetic location: 19q13.33.
Variant type: single nucleotide variant.
Coding change: c.744+3A>G on transcript NM_007254.4 (MANE Select); 3 bases into the intron after coding-DNA position 744, A replaced by G.
Molecular consequence: intron variant.
Genome position (GRCh38, 1-based): chr19:49,863,961, T>C on the plus strand (A>G on the coding strand, the complement: PNKP is on the minus strand). VCF-style: chr19-49863961-T-C. GRCh37 (hg19) VCF-style: chr19-50367218-T-C.
Identifiers: ClinVar variation 1911112 (VCV001911112.2), dbSNP rs755269381, ClinGen allele CA9586817.

ClinVar aggregate classification (germline): Uncertain significance (1 of 4 stars; one submission).

Conditions:
Developmental and epileptic encephalopathy, 12 (DEE12). Identifiers: MedGen C3150988, MONDO:0013389, OMIM 613722.

Allele frequency attached by ClinVar (database versions not stated): gnomAD exomes below 0.00001; ExAC 0.00003.
gnomAD v4.1: 5 of 1,608,602 alleles (0.00031%); highest among the groups gnomAD compares: South Asian, 0.0022%; no homozygotes.

Submission:

Labcorp Genetics (formerly Invitae), Labcorp
Classification: Uncertain significance for Developmental and epileptic encephalopathy, 12. Last evaluated: 2022-04-17. Review status: criteria provided, single submitter. Criteria: Invitae Variant Classification Sherloc (09022015). Collection method: clinical testing. Allele origin: germline.
Comment: This sequence change falls in intron 7 of the PNKP gene. It does not directly change the encoded amino acid sequence of the PNKP protein. It affects a nucleotide within the consensus splice site. This variant is present in population databases (rs755269381, gnomAD 0.007%). This variant has not been reported in the literature in individuals affected with PNKP-related conditions. Variants that disrupt the consensus splice site are a relatively common cause of aberrant splicing (PMID: 17576681, 9536098). Algorithms developed to predict the effect of sequence changes on RNA splicing suggest that this variant may create or strengthen a splice site. In summary, the available evidence is currently insufficient to determine the role of this variant in disease. Therefore, it has been classified as a Variant of Uncertain Significance.

Literature cited by the submitters: PubMed 17576681; PubMed 9536098.